The following is an entry in ClinVar:

ClinVar aggregate classification (germline): Likely benign. Review status: criteria provided, multiple submitters, no conflicts (2 of 4 stars). 2 submissions from 2 submitters: Likely benign (2). Last evaluated 2024-09-18.

Conditions:
Hereditary diffuse gastric adenocarcinoma (HDGC). Also called: DIFFUSE GASTRIC AND LOBULAR BREAST CANCER SYNDROME. Identifiers: Orphanet 26106, MedGen C1708349, MONDO:0007648, OMIM 137215.

Submissions (2):

Myriad Genetics, Inc.
Classification: Likely benign for Hereditary diffuse gastric adenocarcinoma. Last evaluated: 2024-09-18. Review status: criteria provided, single submitter. Criteria: Myriad Autosomal Dominant, Autosomal Recessive and X-Linked Classification Criteria (2023). Collection method: clinical testing. Allele origin: unknown.
Comment: This variant is considered likely benign. This variant is intronic and is not expected to impact mRNA splicing.

Labcorp Genetics (formerly Invitae), Labcorp
Classification: Likely benign for Hereditary diffuse gastric adenocarcinoma. Last evaluated: 2023-09-11. Review status: criteria provided, single submitter. Criteria: Invitae Variant Classification Sherloc (09022015). Collection method: clinical testing. Allele origin: germline.

NM_004360.5(CDH1):c.1138-7T>C

Gene: CDH1 (cadherin 1; plus strand). Cytogenetic location: 16q22.1.
Variant type: single nucleotide variant.
Coding change: c.1138-7T>C on transcript NM_004360.5 (MANE Select); 7 bases into the intron before coding-DNA position 1138, T replaced by C.
Molecular consequence: intron variant.
Genome position (GRCh38, 1-based): chr16:68,813,306, T>C. VCF-style: chr16-68813306-T-C. GRCh37 (hg19) VCF-style: chr16-68847209-T-C.
Other names: c.-478-7T>C (NM_001317185.2); c.-682-7T>C (NM_001317186.2); c.1137+1043T>C (NM_001317184.2).
Identifiers: ClinVar variation 2776875 (VCV002776875.4), dbSNP rs2152133281, ClinGen allele CA2732922485.